The following is an entry in ClinVar:

NM_007074.4(CORO1A):c.436G>A (p.Val146Met)

Gene: CORO1A (coronin 1A; plus strand). Cytogenetic location: 16p11.2.
Variant type: single nucleotide variant.
Coding change: c.436G>A on transcript NM_007074.4 (MANE Select); coding-DNA position 436, G replaced by A.
Protein change: p.Val146Met; replaces valine 146 with methionine.
Molecular consequence: missense variant.
Genome position (GRCh38, 1-based): chr16:30,186,930, G>A. VCF-style: chr16-30186930-G-A. GRCh37 (hg19) VCF-style: chr16-30198251-G-A.
Other names: c.436G>A, p.Val146Met (NM_001193333.3); c.436G>A (NM_007074.3); short protein forms V146M.
Identifiers: ClinVar variation 1388789 (VCV001388789.4), dbSNP rs957489816, ClinGen allele CA280449936.

ClinVar aggregate classification (germline): Uncertain significance. Review status: criteria provided, multiple submitters, no conflicts (2 of 4 stars). 2 submissions from 2 submitters: Uncertain significance (2). Last evaluated 2025-11-05.

Conditions:
Inborn genetic diseases. Identifiers: MedGen C0950123, MeSH D030342.
Severe combined immunodeficiency due to CORO1A deficiency. Also called: IMMUNODEFICIENCY 8 WITH LYMPHOPROLIFERATION; Immunodeficiency 8. Identifiers: Orphanet 228003, MedGen C3809383, MONDO:0014168, OMIM 615401.

Allele frequency attached by ClinVar (database versions not stated): gnomAD 0.00001; gnomAD exomes 0.00002; TOPMed 0.00002.
gnomAD v4.1: 15 of 1,612,640 alleles (0.00093%); highest among the groups gnomAD compares: East Asian, 0.0067%; no homozygotes.

Submissions (2):

Ambry Genetics
Classification: Uncertain significance for Inborn genetic diseases. Last evaluated: 2025-11-05. Review status: criteria provided, single submitter. Criteria: Ambry Variant Classification Scheme 2023. Collection method: clinical testing. Allele origin: germline.

Labcorp Genetics (formerly Invitae), Labcorp
Classification: Uncertain significance for Severe combined immunodeficiency due to CORO1A deficiency. Last evaluated: 2022-03-19. Review status: criteria provided, single submitter. Criteria: Invitae Variant Classification Sherloc (09022015). Collection method: clinical testing. Allele origin: germline.
Comment: This sequence change replaces valine, which is neutral and non-polar, with methionine, which is neutral and non-polar, at codon 146 of the CORO1A protein (p.Val146Met). This variant is present in population databases (no rsID available, gnomAD 0.02%). This variant has not been reported in the literature in individuals affected with CORO1A-related conditions. Algorithms developed to predict the effect of missense changes on protein structure and function are either unavailable or do not agree on the potential impact of this missense change (SIFT: "Deleterious"; PolyPhen-2: "Probably Damaging"; Align-GVGD: "Class C0"). In summary, the available evidence is currently insufficient to determine the role of this variant in disease. Therefore, it has been classified as a Variant of Uncertain Significance.